The following is an entry in ClinVar:

NM_004958.4(MTOR):c.5462G>A (p.Ser1821Asn)

Gene: MTOR (mechanistic target of rapamycin kinase; minus strand). Cytogenetic location: 1p36.22.
Variant type: single nucleotide variant.
Coding change: c.5462G>A on transcript NM_004958.4 (MANE Select); coding-DNA position 5462, G replaced by A.
Protein change: p.Ser1821Asn; replaces serine 1821 with asparagine.
Molecular consequence: missense variant.
Genome position (GRCh38, 1-based): chr1:11,130,680, C>T on the plus strand (G>A on the coding strand, the complement: MTOR is on the minus strand). VCF-style: chr1-11130680-C-T. GRCh37 (hg19) VCF-style: chr1-11190737-C-T.
Other names: c.5462G>A, p.Ser1821Asn (NM_001386500.1); c.4214G>A, p.Ser1405Asn (NM_001386501.1); short protein forms S1405N, S1821N.
Identifiers: ClinVar variation 4873640 (VCV004873640.2).

ClinVar aggregate classification (germline): Uncertain significance (1 of 4 stars; one submission).

gnomAD v4.1: 1 of 1,611,148 alleles (0.000062%); highest among the groups gnomAD compares: South Asian, 0.0011%; no homozygotes.

Submission:

CeGaT Center for Human Genetics Tuebingen
Classification: Uncertain significance. Last evaluated: 2026-06-01. Review status: criteria provided, single submitter. Criteria: CeGaT Center For Human Genetics Tuebingen Variant Classification Criteria Version 2. Collection method: clinical testing. Allele origin: germline. Affected: yes. Observed: 1 variant allele.
Comment: MTOR: PM2